The following is an entry in ClinVar:

ClinVar aggregate classification (germline): Uncertain significance. Review status: criteria provided, multiple submitters, no conflicts (2 of 4 stars). 3 submissions from 3 submitters: Uncertain significance (3). Last evaluated 2024-02-09.

Conditions:
LAMA2-related muscular dystrophy (LAMA2-RD). Also called: Laminin alpha 2-related dystrophy. Identifiers: MedGen C5679788, MONDO:0100228.

Allele frequency attached by ClinVar (database versions not stated): gnomAD exomes below 0.00001; gnomAD 0.00001; TOPMed 0.00002; ESP Exome Variant Server 0.00008.
gnomAD v4.1: 6 of 1,520,576 alleles (0.00039%); highest among the groups gnomAD compares: Non-Finnish European, 0.00055%; no homozygotes.

Submissions (3):

Women's Health and Genetics/Laboratory Corporation of America, LabCorp
Classification: Uncertain significance. Last evaluated: 2024-02-09. Review status: criteria provided, single submitter. Criteria: LabCorp Variant Classification Summary - May 2015. Collection method: clinical testing. Allele origin: germline.
Comment: Variant summary: LAMA2 c.6079C>A (p.Pro2027Thr) results in a non-conservative amino acid change located in the Laminin domain II (IPR010307) of the encoded protein sequence. Three of five in-silico tools predict a benign effect of the variant on protein function. The variant allele was found at a frequency of 4e-06 in 250438 control chromosomes (gnomAD). The available data on variant occurrences in the general population are insufficient to allow any conclusion about variant significance. To our knowledge, no occurrence of c.6079C>A in individuals affected with Laminin Alpha 2-Related Dystrophy and no experimental evidence demonstrating its impact on protein function have been reported. ClinVar contains an entry for this variant (Variation ID: 586118). Based on the evidence outlined above, the variant was classified as uncertain significance.

Labcorp Genetics (formerly Invitae), Labcorp
Classification: Uncertain significance for LAMA2-related muscular dystrophy. Last evaluated: 2022-02-28. Review status: criteria provided, single submitter. Criteria: Invitae Variant Classification Sherloc (09022015). Collection method: clinical testing. Allele origin: germline.
Comment: This variant is present in population databases (rs374006928, gnomAD 0.002%). In summary, the available evidence is currently insufficient to determine the role of this variant in disease. Therefore, it has been classified as a Variant of Uncertain Significance. Advanced modeling of protein sequence and biophysical properties (such as structural, functional, and spatial information, amino acid conservation, physicochemical variation, residue mobility, and thermodynamic stability) performed at Invitae indicates that this missense variant is not expected to disrupt LAMA2 protein function. ClinVar contains an entry for this variant (Variation ID: 586118). This variant has not been reported in the literature in individuals affected with LAMA2-related conditions. This sequence change replaces proline, which is neutral and non-polar, with threonine, which is neutral and polar, at codon 2027 of the LAMA2 protein (p.Pro2027Thr).

Athena Diagnostics
Classification: Uncertain significance. Last evaluated: 2017-09-30. Review status: criteria provided, single submitter. Criteria: Athena Diagnostics Criteria. Collection method: clinical testing. Allele origin: germline.

NM_000426.4(LAMA2):c.6079C>A (p.Pro2027Thr)

Gene: LAMA2 (laminin subunit alpha 2; plus strand). Cytogenetic location: 6q22.33.
Variant type: single nucleotide variant.
Coding change: c.6079C>A on transcript NM_000426.4 (MANE Select); coding-DNA position 6079, C replaced by A.
Protein change: p.Pro2027Thr; replaces proline 2027 with threonine.
Molecular consequence: missense variant.
Genome position (GRCh38, 1-based): chr6:129,438,756, C>A. VCF-style: chr6-129438756-C-A. GRCh37 (hg19) VCF-style: chr6-129759901-C-A.
Other names: c.6079C>A, p.Pro2027Thr (NM_001079823.2); short protein forms P2027T.
Identifiers: ClinVar variation 586118 (VCV000586118.9), dbSNP rs374006928, ClinGen allele CA146915521.